The following is an entry in ClinVar:

ClinVar aggregate classification (germline): Uncertain significance (1 of 4 stars; one submission).

Conditions:
Inborn genetic diseases. Identifiers: MedGen C0950123, MeSH D030342.

Submission:

Ambry Genetics
Classification: Uncertain significance for Inborn genetic diseases. Last evaluated: 2025-08-08. Review status: criteria provided, single submitter. Criteria: Ambry Variant Classification Scheme 2023. Collection method: clinical testing. Allele origin: germline.
Comment: The p.Q708R variant (also known as c.2123A>G), located in coding exon 13 of the ASXL1 gene, results from an A to G substitution at nucleotide position 2123. The glutamine at codon 708 is replaced by arginine, an amino acid with highly similar properties. This amino acid position is conserved. In addition, this alteration is predicted to be tolerated by in silico analysis. Based on the available evidence, the clinical significance of this variant remains unclear.

NM_015338.6(ASXL1):c.2123A>G (p.Gln708Arg)

Gene: ASXL1 (ASXL transcriptional regulator 1; plus strand). Cytogenetic location: 20q11.21.
Variant type: single nucleotide variant.
Coding change: c.2123A>G on transcript NM_015338.6 (MANE Select); coding-DNA position 2123, A replaced by G.
Protein change: p.Gln708Arg; replaces glutamine 708 with arginine.
Molecular consequence: missense variant.
Genome position (GRCh38, 1-based): chr20:32,434,835, A>G. VCF-style: chr20-32434835-A-G. GRCh37 (hg19) VCF-style: chr20-31022638-A-G.
Other names: c.1940A>G, p.Gln647Arg (NM_001363734.1); short protein forms Q647R, Q708R.
Identifiers: ClinVar variation 4158754 (VCV004158754.1).